The following is an entry in ClinVar:

ClinVar aggregate classification (germline): Pathogenic (1 of 4 stars; one submission).

Conditions:
Mucopolysaccharidosis, MPS-IV-B (MPS4B). Also called: Mucopolysaccharidosis type IV B; Mucopolysaccharidosis Type IVB; Mucopolysaccharidosis type IVB (Morquio); MPS IVB; MORQUIO SYNDROME B; Mucopolysaccharidosis Type IVB (Morquio B Disease). Identifiers: Orphanet 309310, Orphanet 582, MedGen C0086652, MONDO:0009660, OMIM 253010.
GM1 gangliosidosis. Identifiers: Orphanet 354, MedGen C0085131, MONDO:0018149.

Allele frequency attached by ClinVar (database versions not stated): ExAC 0.00001.
gnomAD v4.1: 2 of 1,614,116 alleles (0.00012%); highest among the groups gnomAD compares: East Asian, 0.0045%; no homozygotes.

Submission:

Labcorp Genetics (formerly Invitae), Labcorp
Classification: Pathogenic for Mucopolysaccharidosis, MPS-IV-B; GM1 gangliosidosis. Last evaluated: 2024-08-08. Review status: criteria provided, single submitter. Criteria: Invitae Variant Classification Sherloc (09022015). Collection method: clinical testing. Allele origin: germline.
Comment: This sequence change replaces histidine, which is basic and polar, with aspartic acid, which is acidic and polar, at codon 102 of the GLB1 protein (p.His102Asp). This variant is not present in population databases (gnomAD no frequency). This missense change has been observed in individual(s) with GM1-gangliosidosis (PMID: 20920281). In at least one individual the data is consistent with being in trans (on the opposite chromosome) from a pathogenic variant. ClinVar contains an entry for this variant (Variation ID: 2203327). Advanced modeling of protein sequence and biophysical properties (such as structural, functional, and spatial information, amino acid conservation, physicochemical variation, residue mobility, and thermodynamic stability) performed at Invitae indicates that this missense variant is expected to disrupt GLB1 protein function with a positive predictive value of 95%. Experimental studies have shown that this missense change affects GLB1 function (PMID: 20920281). For these reasons, this variant has been classified as Pathogenic.

Literature cited by the submitters: PubMed 20920281.

NM_000404.4(GLB1):c.304C>G (p.His102Asp)

Gene: GLB1 (galactosidase beta 1; minus strand). Cytogenetic location: 3p22.3.
Variant type: single nucleotide variant.
Coding change: c.304C>G on transcript NM_000404.4 (MANE Select); coding-DNA position 304, C replaced by G.
Protein change: p.His102Asp; replaces histidine 102 with aspartic acid.
Molecular consequence: missense variant. On other transcripts: intron variant (1).
Genome position (GRCh38, 1-based): chr3:33,068,912, G>C on the plus strand (C>G on the coding strand, the complement: GLB1 is on the minus strand). VCF-style: chr3-33068912-G-C. GRCh37 (hg19) VCF-style: chr3-33110404-G-C.
Other names: c.448C>G, p.His150Asp (NM_001317040.2); c.304C>G, p.His102Asp (NM_001393580.1); c.246-3355C>G (NM_001135602.3); c.214C>G, p.His72Asp (NM_001079811.3); short protein forms H102D, H150D, H72D.
Identifiers: ClinVar variation 2203327 (VCV002203327.4), dbSNP rs769503425, ClinGen allele CA2299741.